The following is an entry in ClinVar:

NM_080680.3(COL11A2):c.4862A>G (p.Gln1621Arg)

Gene: COL11A2 (collagen type XI alpha 2 chain; minus strand). Cytogenetic location: 6p21.32.
Variant type: single nucleotide variant.
Coding change: c.4862A>G on transcript NM_080680.3 (MANE Select); coding-DNA position 4862, A replaced by G.
Protein change: p.Gln1621Arg; replaces glutamine 1621 with arginine.
Molecular consequence: missense variant.
Genome position (GRCh38, 1-based): chr6:33,164,853, T>C on the plus strand (A>G on the coding strand, the complement: COL11A2 is on the minus strand). VCF-style: chr6-33164853-T-C. GRCh37 (hg19) VCF-style: chr6-33132630-T-C.
Other names: c.4541A>G, p.Gln1514Arg (NM_080679.3); c.4604A>G, p.Gln1535Arg (NM_080681.3); short protein forms Q1514R, Q1621R, Q1535R.
Identifiers: ClinVar variation 1369527 (VCV001369527.8), dbSNP rs2150513204, ClinGen allele CA363617367.

ClinVar aggregate classification (germline): Uncertain significance (1 of 4 stars; one submission).

Submission:

Labcorp Genetics (formerly Invitae), Labcorp
Classification: Uncertain significance. Last evaluated: 2021-07-24. Review status: criteria provided, single submitter. Criteria: Invitae Variant Classification Sherloc (09022015). Collection method: clinical testing. Allele origin: germline.
Comment: This sequence change replaces glutamine with arginine at codon 1621 of the COL11A2 protein (p.Gln1621Arg). The glutamine residue is highly conserved and there is a small physicochemical difference between glutamine and arginine. This variant is not present in population databases (ExAC no frequency). This variant has not been reported in the literature in individuals affected with COL11A2-related conditions. Algorithms developed to predict the effect of missense changes on protein structure and function output the following: SIFT: "Tolerated"; PolyPhen-2: "Not Available"; Align-GVGD: "Class C0". The arginine amino acid residue is found in multiple mammalian species, which suggests that this missense change does not adversely affect protein function. Algorithms developed to predict the effect of sequence changes on RNA splicing suggest that this variant may disrupt the consensus splice site. In summary, the available evidence is currently insufficient to determine the role of this variant in disease. Therefore, it has been classified as a Variant of Uncertain Significance.